The following is an entry in ClinVar:

NM_004336.5(BUB1):c.2T>G (p.Met1Arg)

Gene: BUB1 (BUB1 mitotic checkpoint serine/threonine kinase; minus strand). Cytogenetic location: 2q13.
Variant type: single nucleotide variant.
Coding change: c.2T>G on transcript NM_004336.5 (MANE Select); coding-DNA position 2, T replaced by G.
Protein change: p.Met1Arg; changes the start codon (methionine 1).
Molecular consequence: missense variant, initiator codon variant.
Genome position (GRCh38, 1-based): chr2:110,677,994, A>C on the plus strand (T>G on the coding strand, the complement: BUB1 is on the minus strand). VCF-style: chr2-110677994-A-C. GRCh37 (hg19) VCF-style: chr2-111435571-A-C.
Other names: 2T-G; c.2T>G, p.Met1Arg (NM_001278616.2, NM_001278617.2); short protein forms M1R.
Identifiers: ClinVar variation 1806481 (VCV001806481.4), dbSNP rs778053608, ClinGen allele CA1828500.

ClinVar aggregate classification (germline): Uncertain significance. Review status: criteria provided, single submitter (1 of 4 stars). 2 submissions from 2 submitters: Uncertain significance (1). 1 of the submissions does not count toward it. Last evaluated 2024-02-10.

Conditions:
Microcephaly 30, primary, autosomal recessive (MCPH30). Identifiers: MedGen C5774280, MONDO:0859342, OMIM 620183.

Allele frequency attached by ClinVar (database versions not stated): ExAC 0.00001; gnomAD 0.00001; gnomAD exomes 0.00001; TOPMed 0.00001.

Submissions (2):

Labcorp Genetics (formerly Invitae), Labcorp
Classification: Uncertain significance. Last evaluated: 2024-02-10. Review status: criteria provided, single submitter. Criteria: Invitae Variant Classification Sherloc (09022015). Collection method: clinical testing. Allele origin: germline.
Comment: This sequence change affects the initiator methionine of the BUB1 mRNA. The next in-frame methionine is located at codon 10. This variant is present in population databases (rs778053608, gnomAD 0.002%). Disruption of the initiator codon has been observed in individual(s) with clinical features of BUB1-related conditions (PMID: 35044816). ClinVar contains an entry for this variant (Variation ID: 1806481). Experimental studies and prediction algorithms are not available or were not evaluated, and the functional significance of this variant is currently unknown. In summary, the available evidence is currently insufficient to determine the role of this variant in disease. Therefore, it has been classified as a Variant of Uncertain Significance.

OMIM
Classification: Pathogenic for MICROCEPHALY 30, PRIMARY, AUTOSOMAL RECESSIVE. Last evaluated: 2022-12-25. Review status: no assertion criteria provided. Collection method: literature only. Allele origin: germline. Not counted in ClinVar's aggregate classification.

Literature cited by the submitters: PubMed 35044816 (cited by Labcorp Genetics (formerly Invitae), Labcorp and OMIM).